The following is an entry in ClinVar:

NM_001080512.3(BICC1):c.1242_1366+680del

Gene: BICC1 (BicC family RNA binding protein 1; plus strand). Cytogenetic location: 10q21.1.
Variant type: Deletion.
Coding change: c.1242_1366+680del on transcript NM_001080512.3 (MANE Select); coding-DNA position 1242 through 680 bases into the intron after coding-DNA position 1366, 805 bases deleted.
Molecular consequence: splice donor variant.
Genome position (GRCh38, 1-based): chr10:58,796,402-58,797,206, 805 bases deleted. GRCh37 (hg19): chr10:60,556,162-60,556,966.
Identifiers: ClinVar variation 2842176 (VCV002842176.3), dbSNP rs2493810856, ClinGen allele CA2739265422.

ClinVar aggregate classification (germline): Uncertain significance (1 of 4 stars; one submission).

Submission:

Labcorp Genetics (formerly Invitae), Labcorp
Classification: Uncertain significance. Last evaluated: 2023-03-02. Review status: criteria provided, single submitter. Criteria: Invitae Variant Classification Sherloc (09022015). Collection method: clinical testing. Allele origin: germline.
Comment: In summary, the available evidence is currently insufficient to determine the role of this variant in disease. Therefore, it has been classified as a Variant of Uncertain Significance. This variant results in the deletion of part of exon 10 (c.1242_1366+680del) of the BICC1 gene. It is expected to disrupt RNA splicing. Variants that disrupt the donor or acceptor splice site typically lead to a loss of protein function (PMID: 16199547), however the current clinical and genetic evidence is not sufficient to establish whether loss-of-function variants in BICC1 cause disease. This variant is not present in population databases (gnomAD no frequency). This variant has not been reported in the literature in individuals affected with BICC1-related conditions.

Literature cited by the submitters: PubMed 16199547.